The following is an entry in ClinVar:

NM_006922.4(SCN3A):c.3137A>G (p.Asp1046Gly)

Gene: SCN3A (sodium voltage-gated channel alpha subunit 3; minus strand). Cytogenetic location: 2q24.3.
Variant type: single nucleotide variant.
Coding change: c.3137A>G on transcript NM_006922.4 (MANE Select); coding-DNA position 3137, A replaced by G.
Protein change: p.Asp1046Gly; replaces aspartic acid 1046 with glycine.
Molecular consequence: missense variant.
Genome position (GRCh38, 1-based): chr2:165,127,887, T>C on the plus strand (A>G on the coding strand, the complement: SCN3A is on the minus strand). VCF-style: chr2-165127887-T-C. GRCh37 (hg19) VCF-style: chr2-165984397-T-C.
Other names: c.2990A>G, p.Asp997Gly (NM_001081676.2, NM_001081677.2); short protein forms D1046G, D997G.
Identifiers: ClinVar variation 3342150 (VCV003342150.16).

ClinVar aggregate classification (germline): Uncertain significance (1 of 4 stars; one submission).

gnomAD v4.1: 1 of 1,614,192 alleles (0.000062%); no homozygotes.

Submission:

CeGaT Center for Human Genetics Tuebingen
Classification: Uncertain significance. Last evaluated: 2024-08-01. Review status: criteria provided, single submitter. Criteria: CeGaT Center For Human Genetics Tuebingen Variant Classification Criteria Version 2. Collection method: clinical testing. Allele origin: germline. Affected: yes. Observed: 1 variant allele.
Comment: SCN3A: PM2, BP4